The following is an entry in ClinVar:

NM_002693.3(POLG):c.3017G>C (p.Arg1006Thr)

Gene: POLG (DNA polymerase gamma, catalytic subunit; minus strand). Cytogenetic location: 15q26.1.
Variant type: single nucleotide variant.
Coding change: c.3017G>C on transcript NM_002693.3 (MANE Select); coding-DNA position 3017, G replaced by C.
Protein change: p.Arg1006Thr; replaces arginine 1006 with threonine.
Molecular consequence: missense variant.
Genome position (GRCh38, 1-based): chr15:89,319,315, C>G on the plus strand (G>C on the coding strand, the complement: POLG is on the minus strand). VCF-style: chr15-89319315-C-G. GRCh37 (hg19) VCF-style: chr15-89862546-C-G.
Other names: c.3017G>C, p.Arg1006Thr (NM_001126131.2); short protein forms R1006T.
Identifiers: ClinVar variation 2186701 (VCV002186701.4), dbSNP rs142732551, ClinGen allele CA393751432.

ClinVar aggregate classification (germline): Uncertain significance (1 of 4 stars; one submission).

Conditions:
Progressive sclerosing poliodystrophy (MTDPS4A). Also called: Mitochondrial DNA depletion syndrome 4A (Alpers type); ALPERS PROGRESSIVE INFANTILE POLIODYSTROPHY; NEURONAL DEGENERATION OF CHILDHOOD WITH LIVER DISEASE, PROGRESSIVE; Alpers Syndrome; ALPERS DIFFUSE DEGENERATION OF CEREBRAL GRAY MATTER WITH HEPATIC CIRRHOSIS; Alpers-Huttenlocher Syndrome. Identifiers: Orphanet 726, MedGen C0205710, MONDO:0008758, OMIM 203700.

gnomAD v4.1: 1 of 1,614,168 alleles (0.000062%); no homozygotes.

Submission:

Labcorp Genetics (formerly Invitae), Labcorp
Classification: Uncertain significance for Progressive sclerosing poliodystrophy. Last evaluated: 2025-04-14. Review status: criteria provided, single submitter. Criteria: Invitae Variant Classification Sherloc (09022015). Collection method: clinical testing. Allele origin: germline.
Comment: This sequence change replaces arginine, which is basic and polar, with threonine, which is neutral and polar, at codon 1006 of the POLG protein (p.Arg1006Thr). This variant is not present in population databases (gnomAD no frequency). This variant has not been reported in the literature in individuals affected with POLG-related conditions. ClinVar contains an entry for this variant (Variation ID: 2186701). Invitae Evidence Modeling of protein sequence and biophysical properties (such as structural, functional, and spatial information, amino acid conservation, physicochemical variation, residue mobility, and thermodynamic stability) indicates that this missense variant is not expected to disrupt POLG protein function with a negative predictive value of 95%. In summary, the available evidence is currently insufficient to determine the role of this variant in disease. Therefore, it has been classified as a Variant of Uncertain Significance.